The following is an entry in ClinVar:

ClinVar aggregate classification (germline): Uncertain significance. Review status: criteria provided, multiple submitters, no conflicts (2 of 4 stars). 2 submissions from 2 submitters: Uncertain significance (2). Last evaluated 2024-05-02.

Conditions:
Inborn genetic diseases. Identifiers: MedGen C0950123, MeSH D030342.

Allele frequency attached by ClinVar (database versions not stated): gnomAD 0.00004; ExAC 0.00005; gnomAD exomes 0.00005 and 0.00010; 1000 Genomes Project 30x 0.00016; 1000 Genomes Project 0.00020.
gnomAD v4.1: 157 of 1,613,978 alleles (0.0097%); highest among the groups gnomAD compares: Non-Finnish European, 0.013%; no homozygotes.

Submissions (2):

Ambry Genetics
Classification: Uncertain significance for Inborn genetic diseases. Last evaluated: 2024-05-02. Review status: criteria provided, single submitter. Criteria: Ambry Variant Classification Scheme 2023. Collection method: clinical testing. Allele origin: germline.

Labcorp Genetics (formerly Invitae), Labcorp
Classification: Uncertain significance. Last evaluated: 2021-11-01. Review status: criteria provided, single submitter. Criteria: Invitae Variant Classification Sherloc (09022015). Collection method: clinical testing. Allele origin: germline.
Comment: This sequence change replaces threonine, which is neutral and polar, with serine, which is neutral and polar, at codon 265 of the PDHX protein (p.Thr265Ser). This variant is present in population databases (rs183059121, gnomAD 0.01%). This variant has not been reported in the literature in individuals affected with PDHX-related conditions. Algorithms developed to predict the effect of missense changes on protein structure and function (SIFT, PolyPhen-2, Align-GVGD) all suggest that this variant is likely to be tolerated. In summary, the available evidence is currently insufficient to determine the role of this variant in disease. Therefore, it has been classified as a Variant of Uncertain Significance.

NM_003477.3(PDHX):c.794C>G (p.Thr265Ser)

Gene: PDHX (pyruvate dehydrogenase complex component X; plus strand). Cytogenetic location: 11p13.
Variant type: single nucleotide variant.
Coding change: c.794C>G on transcript NM_003477.3 (MANE Select); coding-DNA position 794, C replaced by G.
Protein change: p.Thr265Ser; replaces threonine 265 with serine.
Molecular consequence: missense variant. On other transcripts: intron variant (1).
Genome position (GRCh38, 1-based): chr11:34,966,792, C>G. VCF-style: chr11-34966792-C-G. GRCh37 (hg19) VCF-style: chr11-34988339-C-G.
Other names: c.614C>G, p.Thr205Ser (NM_001135024.2); c.343-17778C>G (NM_001166158.2); c.794C>G (NM_003477.2); short protein forms T205S, T265S.
Identifiers: ClinVar variation 1432545 (VCV001432545.4), dbSNP rs183059121, ClinGen allele CA5945993.